The following is an entry in ClinVar:

ClinVar aggregate classification (germline): Uncertain significance. Review status: criteria provided, multiple submitters, no conflicts (2 of 4 stars). 2 submissions from 2 submitters: Uncertain significance (2). Last evaluated 2026-01-28.

Conditions:
Nemaline myopathy 2 (NEM2). Also called: Nemaline myopathy 2, autosomal recessive. Identifiers: MedGen C1850569, MONDO:0009725, OMIM 256030.

Allele frequency attached by ClinVar (database versions not stated): TOPMed 0.00004.
gnomAD v4.1: 59 of 1,569,106 alleles (0.0038%); highest among the groups gnomAD compares: Middle Eastern, 0.017%; no homozygotes.

Submissions (2):

Labcorp Genetics (formerly Invitae), Labcorp
Classification: Uncertain significance for Nemaline myopathy 2. Last evaluated: 2026-01-28. Review status: criteria provided, single submitter. Criteria: Invitae Variant Classification Sherloc (09022015). Collection method: clinical testing. Allele origin: germline.
Comment: This sequence change affects codon 8135 of the NEB mRNA. It is a 'silent' change, meaning that it does not change the encoded amino acid sequence of the NEB protein. This variant also falls at the last nucleotide of exon 172, which is part of the consensus splice site for this exon. This variant is present in population databases (rs541126160, gnomAD 0.005%). This variant has not been reported in the literature in individuals affected with NEB-related conditions. ClinVar contains an entry for this variant (Variation ID: 510230). Variants that disrupt the consensus splice site are a relatively common cause of aberrant splicing (PMID: 17576681, 9536098). Algorithms developed to predict the effect of sequence changes on RNA splicing suggest that this variant may disrupt the consensus splice site. In summary, the available evidence is currently insufficient to determine the role of this variant in disease. Therefore, it has been classified as a Variant of Uncertain Significance.

GeneDx
Classification: Uncertain significance. Last evaluated: 2022-02-01. Review status: criteria provided, single submitter. Criteria: GeneDx Variant Classification Process June 2021. Collection method: clinical testing. Allele origin: germline. Affected: yes.
Comment: Not observed at significant frequency in large population cohorts (gnomAD); In-silico analysis is inconclusive as to whether the variant alters gene splicing. In the absence of RNA/functional studies, the actual effect of this sequence change is unknown.; Has not been previously published as pathogenic or benign to our knowledge

Literature cited by the submitters: PubMed 17576681 (cited by Labcorp Genetics (formerly Invitae), Labcorp); PubMed 9536098 (cited by Labcorp Genetics (formerly Invitae), Labcorp).

NM_001164508.2(NEB):c.24300G>C (p.Ser8100=)

Genes: NEB (nebulin; minus strand), RIF1 (replication timing regulatory factor 1; plus strand). Cytogenetic location: 2q23.3.
Variant type: single nucleotide variant.
Coding change: c.24300G>C on transcript NM_001164508.2 (MANE Select); coding-DNA position 24300, G replaced by C.
Protein change: p.Ser8100=; no amino-acid change (serine 8100 retained).
Molecular consequence: synonymous variant. On other transcripts: intron variant (1).
Genome position (GRCh38, 1-based): chr2:151,497,626, C>G on the plus strand (G>C on the coding strand, the complement: NEB is on the minus strand). VCF-style: chr2-151497626-C-G. GRCh37 (hg19) VCF-style: chr2-152354140-C-G.
Other names: c.24300G>C, p.Ser8100= (NM_001164507.2); c.24405G>C, p.Ser8135= (NM_001271208.2); c.18826-1258G>C (NM_004543.5).
Identifiers: ClinVar variation 510230 (VCV000510230.8), dbSNP rs541126160, ClinGen allele CA1906104.